The following is an entry in ClinVar:

NM_000137.4(FAH):c.*94T>C

Gene: FAH (fumarylacetoacetate hydrolase; plus strand). Cytogenetic location: 15q25.1.
Variant type: single nucleotide variant.
Coding change: c.*94T>C on transcript NM_000137.4 (MANE Select); 94 bases downstream of the stop codon, T replaced by C.
Molecular consequence: 3 prime UTR variant.
Genome position (GRCh38, 1-based): chr15:80,186,303, T>C. VCF-style: chr15-80186303-T-C. GRCh37 (hg19) VCF-style: chr15-80478645-T-C.
Other names: c.*94T>C (NM_001374377.1, NM_001374380.1).
Identifiers: ClinVar variation 317219 (VCV000317219.12), dbSNP rs1049194, ClinGen allele CA10646664.

ClinVar aggregate classification (germline): Benign. Review status: criteria provided, multiple submitters, no conflicts (2 of 4 stars). 4 submissions from 4 submitters: Benign (4). Last evaluated 2021-07-01.

Conditions:
Tyrosinemia type I (TYRSN1). Also called: Tyrosinemia type 1; Fumarylacetoacetase deficiency; Deficiency of fumarylacetoacetase; FAH DEFICIENCY; HEPATORENAL TYROSINEMIA. Identifiers: Orphanet 882, MedGen C0268490, MONDO:0010161, OMIM 276700. Disease mechanism: loss of function.

Allele frequency attached by ClinVar (database versions not stated): 1000 Genomes Project 30x 0.11243; 1000 Genomes Project 0.11262; TOPMed 0.11425; gnomAD 0.12301 and 0.12362; gnomAD exomes 0.13844.

Submissions (4):

Genome-Nilou Lab
Classification: Benign for Tyrosinemia type I. Last evaluated: 2021-07-01. Review status: criteria provided, single submitter. Criteria: ACMG Guidelines, 2015. Collection method: clinical testing. Allele origin: germline. Affected: no.

GeneDx
Classification: Benign. Last evaluated: 2018-11-12. Review status: criteria provided, single submitter. Criteria: GeneDx Variant Classification Process June 2021. Collection method: clinical testing. Allele origin: germline. Affected: yes.

Illumina Laboratory Services, Illumina
Classification: Benign for Tyrosinemia type I. Last evaluated: 2018-01-12. Review status: criteria provided, single submitter. Criteria: ICSL Variant Classification Criteria 13 December 2019. Collection method: clinical testing. Allele origin: germline.
Comment: This variant was observed in the ICSL laboratory as part of a predisposition screen in an ostensibly healthy population. It had not been previously curated by ICSL or reported in the Human Gene Mutation Database (HGMD: prior to June 1st, 2018), and was therefore a candidate for classification through an automated scoring system. Utilizing variant allele frequency, disease prevalence and penetrance estimates, and inheritance mode, an automated score was calculated to assess if this variant is too frequent to cause the disease. Based on the score and internal cut-off values, a variant classified as benign is not then subjected to further curation. The score for this variant resulted in a classification of benign for this disease.

Breakthrough Genomics
Classification: Benign. Review status: criteria provided, single submitter. Criteria: ACMG Guidelines, 2015. Collection method: not provided. Allele origin: germline. Inheritance: Autosomal recessive inheritance. Affected: yes.